The following is an entry in ClinVar:

ClinVar aggregate classification (germline): Pathogenic. Review status: criteria provided, multiple submitters, no conflicts (2 of 4 stars). 3 submissions from 3 submitters: Pathogenic (3). Last evaluated 2024-08-16.

Conditions:
Congenital myotonia, autosomal recessive form. Also called: myotonia congenita, autosomal recessive; BECKER DISEASE; Becker Generalized Myotonia. Identifiers: Orphanet 614, MedGen C0751360, MONDO:0009715, OMIM 255700.
Congenital myotonia, autosomal dominant form (THD). Also called: THOMSEN DISEASE; Myotonia congenita autosomal dominant. Identifiers: Orphanet 614, MedGen C2936781, MONDO:0008055, OMIM 160800.

Allele frequency attached by ClinVar (database versions not stated): TOPMed below 0.00001.
gnomAD v4.1: 1 of 1,614,154 alleles (0.000062%); no homozygotes.

Submissions (3):

Women's Health and Genetics/Laboratory Corporation of America, LabCorp
Classification: Pathogenic for Congenital myotonia, autosomal recessive form. Last evaluated: 2024-08-16. Review status: criteria provided, single submitter. Criteria: LabCorp Variant Classification Summary - May 2015. Collection method: clinical testing. Allele origin: germline.
Comment: Variant summary: CLCN1 c.1657A>T (p.Ile553Phe) results in a non-conservative amino acid change in the encoded protein sequence. Five of five in-silico tools predict a damaging effect of the variant on protein function. The variant was absent in 251226 control chromosomes. c.1657A>T has been reported in the literature in the compound heterozygous or presumed compound heterozygous state in multiple individuals affected with autosomal recessive Myotonia congenita (example, Burgunder_2008, He_2024, Li_2022). These data indicate that the variant is likely to be associated with disease. At least one publication reports experimental evidence evaluating an impact on protein function. In vitro studies in Xenopus oocytes found that this variant alone resulted in 40% channel function; homozygous variant samples had an even more severe channel function decrease (example, Burgunder_2008). The following publications have been ascertained in the context of this evaluation (PMID: 18579381, 38720415, 34790634, 35170402, 30243293). ClinVar contains an entry for this variant (Variation ID: 2136619). Based on the evidence outlined above, the variant was classified as pathogenic.

Labcorp Genetics (formerly Invitae), Labcorp
Classification: Pathogenic for Congenital myotonia, autosomal recessive form; Congenital myotonia, autosomal dominant form. Last evaluated: 2022-07-01. Review status: criteria provided, single submitter. Criteria: Invitae Variant Classification Sherloc (09022015). Collection method: clinical testing. Allele origin: germline.
Comment: For these reasons, this variant has been classified as Pathogenic. Experimental studies have shown that this missense change affects CLCN1 function (PMID: 18579381). Advanced modeling of protein sequence and biophysical properties (such as structural, functional, and spatial information, amino acid conservation, physicochemical variation, residue mobility, and thermodynamic stability) performed at Invitae indicates that this missense variant is expected to disrupt CLCN1 protein function. This variant is also known as A1744T. This missense change has been observed in individual(s) with autosomal recessive myotonia congenita (PMID: 18579381, 30243293). In at least one individual the data is consistent with being in trans (on the opposite chromosome) from a pathogenic variant. This variant is not present in population databases (gnomAD no frequency). This sequence change replaces isoleucine, which is neutral and non-polar, with phenylalanine, which is neutral and non-polar, at codon 553 of the CLCN1 protein (p.Ile553Phe).

Juno Genomics, Hangzhou Juno Genomics, Inc
Classification: Pathogenic for Congenital myotonia, autosomal dominant form; Congenital myotonia, autosomal recessive form. Review status: criteria provided, single submitter. Criteria: ACMG Guidelines, 2015. Collection method: clinical testing. Allele origin: germline.
Comment: Absent from controls (or at extremely low frequency if recessive) in Genome Aggregation Database.;Multiple lines of computational evidence support a deleterious effect on the gene or gene product.;For recessive disorders, detected in trans with a pathogenic variant.;Patient's phenotype or family history is highly specific for a disease with a single genetic etiology.

Literature cited by the submitters: PubMed 34790634 (cited by Women's Health and Genetics/Laboratory Corporation of America, LabCorp); PubMed 35170402 (cited by Women's Health and Genetics/Laboratory Corporation of America, LabCorp); PubMed 30243293 (cited by Women's Health and Genetics/Laboratory Corporation of America, LabCorp and Labcorp Genetics (formerly Invitae), Labcorp); PubMed 18579381 (cited by Women's Health and Genetics/Laboratory Corporation of America, LabCorp and Labcorp Genetics (formerly Invitae), Labcorp); PubMed 38720415 (cited by Women's Health and Genetics/Laboratory Corporation of America, LabCorp).

NM_000083.3(CLCN1):c.1657A>T (p.Ile553Phe)

Gene: CLCN1 (chloride voltage-gated channel 1; plus strand). Cytogenetic location: 7q34.
Variant type: single nucleotide variant.
Coding change: c.1657A>T on transcript NM_000083.3 (MANE Select); coding-DNA position 1657, A replaced by T.
Protein change: p.Ile553Phe; replaces isoleucine 553 with phenylalanine.
Molecular consequence: missense variant. On other transcripts: non-coding transcript variant (1).
Genome position (GRCh38, 1-based): chr7:143,342,003, A>T. VCF-style: chr7-143342003-A-T. GRCh37 (hg19) VCF-style: chr7-143039096-A-T.
Other names: short protein forms I553F.
Identifiers: ClinVar variation 2136619 (VCV002136619.7), dbSNP rs1333207710, ClinGen allele CA369646495.
Genomic context (GRCh38, chr7:143,342,003, plus strand): 5'-ACTGGTGCCGTTTCCCACACAGTCTCCACAGCTGTGATTTGCTTCGAATTAACGGGTCAG[A>T]TTGCTCACATCCTGCCCATGATGGTGGCTGTTATCTTGGCCAACATGGTGGCCCAGAGCC-3'
Protein context (NP_000074.3, residues 543-563): AVICFELTGQ[Ile553Phe]AHILPMMVAV